The following is an entry in ClinVar:

ClinVar aggregate classification (germline): Uncertain significance. Review status: criteria provided, multiple submitters, no conflicts (2 of 4 stars). 2 submissions from 2 submitters: Uncertain significance (2). Last evaluated 2026-02-01.

Conditions:
Inborn genetic diseases. Identifiers: MedGen C0950123, MeSH D030342.
Chédiak-Higashi syndrome (CHS). Also called: Chediak-Higashi Syndrome. Identifiers: Orphanet 167, MedGen C0007965, MONDO:0008963, OMIM 214500.

Allele frequency attached by ClinVar (database versions not stated): ExAC 0.00001; gnomAD 0.00001; gnomAD exomes 0.00001; TOPMed 0.00002.
gnomAD v4.1: 9 of 1,612,954 alleles (0.00056%); highest among the groups gnomAD compares: African/African-American, 0.0027%; no homozygotes.

Submissions (2):

Labcorp Genetics (formerly Invitae), Labcorp
Classification: Uncertain significance for Chédiak-Higashi syndrome. Last evaluated: 2026-02-01. Review status: criteria provided, single submitter. Criteria: Invitae Variant Classification Sherloc (09022015). Collection method: clinical testing. Allele origin: germline.
Comment: This sequence change replaces arginine, which is basic and polar, with cysteine, which is neutral and slightly polar, at codon 147 of the LYST protein (p.Arg147Cys). This variant is present in population databases (rs767819421, gnomAD 0.007%). This variant has not been reported in the literature in individuals affected with LYST-related conditions. ClinVar contains an entry for this variant (Variation ID: 1384438). Invitae Evidence Modeling of protein sequence and biophysical properties (such as structural, functional, and spatial information, amino acid conservation, physicochemical variation, residue mobility, and thermodynamic stability) indicates that this missense variant is not expected to disrupt LYST protein function with a negative predictive value of 80%. In summary, the available evidence is currently insufficient to determine the role of this variant in disease. Therefore, it has been classified as a Variant of Uncertain Significance.

Ambry Genetics
Classification: Uncertain significance for Inborn genetic diseases. Last evaluated: 2021-09-16. Review status: criteria provided, single submitter. Criteria: Ambry Variant Classification Scheme 2023. Collection method: clinical testing. Allele origin: germline.

NM_000081.4(LYST):c.439C>T (p.Arg147Cys)

Gene: LYST (lysosomal trafficking regulator; minus strand). Cytogenetic location: 1q42.3.
Variant type: single nucleotide variant.
Coding change: c.439C>T on transcript NM_000081.4 (MANE Select); coding-DNA position 439, C replaced by T.
Protein change: p.Arg147Cys; replaces arginine 147 with cysteine.
Molecular consequence: missense variant.
Genome position (GRCh38, 1-based): chr1:235,810,379, G>A on the plus strand (C>T on the coding strand, the complement: LYST is on the minus strand). VCF-style: chr1-235810379-G-A. GRCh37 (hg19) VCF-style: chr1-235973679-G-A.
Other names: c.439C>T, p.Arg147Cys (NM_001301365.1); c.439C>T (NM_000081.2); short protein forms R147C.
Identifiers: ClinVar variation 1384438 (VCV001384438.4), dbSNP rs767819421, ClinGen allele CA1467626.